The following is an entry in ClinVar:

ClinVar aggregate classification (germline): Uncertain significance (1 of 4 stars; one submission).

Allele frequency attached by ClinVar (database versions not stated): ExAC 0.00001.
gnomAD v4.1: 6 of 1,612,656 alleles (0.00037%); highest among the groups gnomAD compares: Admixed American, 0.0084%; no homozygotes.

Submission:

Labcorp Genetics (formerly Invitae), Labcorp
Classification: Uncertain significance. Last evaluated: 2023-07-17. Review status: criteria provided, single submitter. Criteria: Invitae Variant Classification Sherloc (09022015). Collection method: clinical testing. Allele origin: germline.
Comment: This sequence change replaces cysteine, which is neutral and slightly polar, with tyrosine, which is neutral and polar, at codon 395 of the TBC1D32 protein (p.Cys395Tyr). This variant is present in population databases (rs754039147, gnomAD 0.01%). This variant has not been reported in the literature in individuals affected with TBC1D32-related conditions. ClinVar contains an entry for this variant (Variation ID: 1935093). An algorithm developed to predict the effect of missense changes on protein structure and function (PolyPhen-2) suggests that this variant is likely to be disruptive. In summary, the available evidence is currently insufficient to determine the role of this variant in disease. Therefore, it has been classified as a Variant of Uncertain Significance.

NM_152730.6(TBC1D32):c.1184G>A (p.Cys395Tyr)

Gene: TBC1D32 (TBC1 domain family member 32; minus strand). Cytogenetic location: 6q22.31.
Variant type: single nucleotide variant.
Coding change: c.1184G>A on transcript NM_152730.6 (MANE Select); coding-DNA position 1184, G replaced by A.
Protein change: p.Cys395Tyr; replaces cysteine 395 with tyrosine.
Molecular consequence: missense variant. On other transcripts: non-coding transcript variant (1).
Genome position (GRCh38, 1-based): chr6:121,294,617, C>T on the plus strand (G>A on the coding strand, the complement: TBC1D32 is on the minus strand). VCF-style: chr6-121294617-C-T. GRCh37 (hg19) VCF-style: chr6-121615763-C-T.
Other names: c.1184G>A, p.Cys395Tyr (NM_001367759.1, NM_001367760.1); short protein forms C395Y.
Identifiers: ClinVar variation 1935093 (VCV001935093.5), dbSNP rs754039147, ClinGen allele CA3981230.